The following is an entry in ClinVar:

NM_020297.4(ABCC9):c.4512+726G>A

Genes: ABCC9 (ATP binding cassette subfamily C member 9; minus strand), KCNJ8-AS1 (KCNJ8 antisense RNA 1; plus strand). Cytogenetic location: 12p12.1.
Variant type: single nucleotide variant.
Coding change: c.4512+726G>A on transcript NM_020297.4 (MANE Select); 726 bases into the intron after coding-DNA position 4512, G replaced by A.
Molecular consequence: intron variant. On other transcripts: missense variant (1).
Genome position (GRCh38, 1-based): chr12:21,805,272, C>T on the plus strand (G>A on the coding strand, the complement: ABCC9 is on the minus strand). VCF-style: chr12-21805272-C-T. GRCh37 (hg19) VCF-style: chr12-21958206-C-T.
Other names: c.4552G>A, p.Val1518Ile (NM_005691.4); c.3645+726G>A (NM_001377274.1); c.4512+726G>A (NM_001377273.1); short protein forms V1518I.
Identifiers: ClinVar variation 843430 (VCV000843430.10), dbSNP rs1340272542, ClinGen allele CA384129367.

ClinVar aggregate classification (germline): Uncertain significance. Review status: criteria provided, multiple submitters, no conflicts (2 of 4 stars). 2 submissions from 2 submitters: Uncertain significance (2). Last evaluated 2023-10-03.

Conditions:
Dilated cardiomyopathy 1O (CMD1O). Also called: CARDIOMYOPATHY, DILATED, WITH VENTRICULAR TACHYCARDIA. Identifiers: Orphanet 154, MedGen C1837839, MONDO:0012062, OMIM 608569.

Allele frequency attached by ClinVar (database versions not stated): gnomAD exomes below 0.00001 and 0.00001; TOPMed below 0.00001.
gnomAD v4.1: 8 of 1,613,954 alleles (0.0005%); highest among the groups gnomAD compares: Non-Finnish European, 0.00068%; no homozygotes.

Submissions (2):

Blueprint Genetics
Classification: Uncertain significance. Last evaluated: 2023-10-03. Review status: criteria provided, single submitter. Criteria: ACMG Guidelines, 2015. Collection method: clinical testing. Allele origin: germline.

Labcorp Genetics (formerly Invitae), Labcorp
Classification: Uncertain significance for Dilated cardiomyopathy 1O. Last evaluated: 2019-02-07. Review status: criteria provided, single submitter. Criteria: Invitae Variant Classification Sherloc (09022015). Collection method: clinical testing. Allele origin: germline.
Comment: In summary, the available evidence is currently insufficient to determine the role of this variant in disease. Therefore, it has been classified as a Variant of Uncertain Significance. Algorithms developed to predict the effect of missense changes on protein structure and function are either unavailable or do not agree on the potential impact of this missense change (SIFT: "Deleterious"; PolyPhen-2: "Possibly Damaging"; Align-GVGD: "Class C0"). This variant has not been reported in the literature in individuals with ABCC9-related conditions. This variant is not present in population databases (ExAC no frequency). This sequence change replaces valine with isoleucine at codon 1518 of the ABCC9 protein (p.Val1518Ile). The valine residue is moderately conserved and there is a small physicochemical difference between valine and isoleucine.